The following is an entry in ClinVar:

ClinVar aggregate classification (germline): Uncertain significance (1 of 4 stars; one submission).

Conditions:
Hereditary spastic paraplegia 11. Also called: SPASTIC PARAPLEGIA, AUTOSOMAL RECESSIVE, COMPLICATED, WITH THIN CORPUS CALLOSUM; SPASTIC PARAPLEGIA, AUTOSOMAL RECESSIVE, WITH MENTAL IMPAIRMENT AND THIN CORPUS CALLOSUM; Spastic Paraplegia 11; Spastic paraplegia, mental retardation and thin corpus callosum; Nakamura Osame syndrome; Autosomal recessive hereditary spastic paraplegia, mental impairment, and thin corpus callosum. Identifiers: Orphanet 2822, MedGen C1858479, MONDO:0011445, OMIM 604360.

Allele frequency attached by ClinVar (database versions not stated): TOPMed 0.00001; 1000 Genomes Project 30x 0.00016; 1000 Genomes Project 0.00020.
gnomAD v4.1: 11 of 1,614,230 alleles (0.00068%); highest among the groups gnomAD compares: East Asian, 0.022%; no homozygotes.

Submission:

Labcorp Genetics (formerly Invitae), Labcorp
Classification: Uncertain significance for Hereditary spastic paraplegia 11. Last evaluated: 2022-07-19. Review status: criteria provided, single submitter. Criteria: Invitae Variant Classification Sherloc (09022015). Collection method: clinical testing. Allele origin: germline.
Comment: This sequence change replaces glycine, which is neutral and non-polar, with alanine, which is neutral and non-polar, at codon 1830 of the SPG11 protein (p.Gly1830Ala). This variant is present in population databases (rs529748787, gnomAD 0.04%). This variant has not been reported in the literature in individuals affected with SPG11-related conditions. ClinVar contains an entry for this variant (Variation ID: 1017424). Algorithms developed to predict the effect of missense changes on protein structure and function output the following: SIFT: "Tolerated"; PolyPhen-2: "Benign"; Align-GVGD: "Class C0". The alanine amino acid residue is found in multiple mammalian species, which suggests that this missense change does not adversely affect protein function. In summary, the available evidence is currently insufficient to determine the role of this variant in disease. Therefore, it has been classified as a Variant of Uncertain Significance.

NM_025137.4(SPG11):c.5489G>C (p.Gly1830Ala)

Gene: SPG11 (SPG11 vesicle trafficking associated, spatacsin; minus strand). Cytogenetic location: 15q21.1.
Variant type: single nucleotide variant.
Coding change: c.5489G>C on transcript NM_025137.4 (MANE Select); coding-DNA position 5489, G replaced by C.
Protein change: p.Gly1830Ala; replaces glycine 1830 with alanine.
Molecular consequence: missense variant.
Genome position (GRCh38, 1-based): chr15:44,584,191, C>G on the plus strand (G>C on the coding strand, the complement: SPG11 is on the minus strand). VCF-style: chr15-44584191-C-G. GRCh37 (hg19) VCF-style: chr15-44876389-C-G.
Other names: c.5489G>C, p.Gly1830Ala (NM_001160227.2); short protein forms G1830A.
Identifiers: ClinVar variation 1017424 (VCV001017424.6), dbSNP rs529748787, ClinGen allele CA7534400.